The following is an entry in ClinVar:

ClinVar aggregate classification (germline): Uncertain significance (1 of 4 stars; one submission).

Allele frequency attached by ClinVar (database versions not stated): TOPMed below 0.00001.

Submission:

Labcorp Genetics (formerly Invitae), Labcorp
Classification: Uncertain significance. Last evaluated: 2022-03-05. Review status: criteria provided, single submitter. Criteria: Invitae Variant Classification Sherloc (09022015). Collection method: clinical testing. Allele origin: germline.
Comment: This sequence change replaces leucine, which is neutral and non-polar, with phenylalanine, which is neutral and non-polar, at codon 2675 of the VPS13C protein (p.Leu2675Phe). This variant is not present in population databases (gnomAD no frequency). This variant has not been reported in the literature in individuals affected with VPS13C-related conditions. Algorithms developed to predict the effect of missense changes on protein structure and function output the following: SIFT: "Tolerated"; PolyPhen-2: "Benign"; Align-GVGD: "Class C0". The phenylalanine amino acid residue is found in multiple mammalian species, which suggests that this missense change does not adversely affect protein function. In summary, the available evidence is currently insufficient to determine the role of this variant in disease. Therefore, it has been classified as a Variant of Uncertain Significance.

NM_020821.3(VPS13C):c.8023C>T (p.Leu2675Phe)

Gene: VPS13C (vacuolar protein sorting 13 homolog C; minus strand). Cytogenetic location: 15q22.2.
Variant type: single nucleotide variant.
Coding change: c.8023C>T on transcript NM_020821.3 (MANE Select); coding-DNA position 8023, C replaced by T.
Protein change: p.Leu2675Phe; replaces leucine 2675 with phenylalanine.
Molecular consequence: missense variant.
Genome position (GRCh38, 1-based): chr15:61,917,373, G>A on the plus strand (C>T on the coding strand, the complement: VPS13C is on the minus strand). VCF-style: chr15-61917373-G-A. GRCh37 (hg19) VCF-style: chr15-62209572-G-A.
Other names: c.8023C>T, p.Leu2675Phe (NM_001018088.3); c.7894C>T, p.Leu2632Phe (NM_017684.5, NM_018080.4); short protein forms L2632F, L2675F.
Identifiers: ClinVar variation 1968474 (VCV001968474.5), dbSNP rs2043505250, ClinGen allele CA392679066.